The following is an entry in ClinVar:

ClinVar aggregate classification (germline): Uncertain significance (1 of 4 stars; one submission).

Conditions:
Marfan syndrome (MFS). Also called: Marfan syndrome type 1; Marfan syndrome, classic; Marfan's syndrome; FBN1-Related Marfan Syndrome; MARFAN SYNDROME, TYPE I. Identifiers: Orphanet 284963, Orphanet 558, MedGen C0024796, MONDO:0007947, OMIM 154700.

Submission:

GeneDx
Classification: Uncertain significance. Last evaluated: 2020-09-15. Review status: criteria provided, single submitter. Criteria: GeneDx Variant Classification Process June 2021. Collection method: clinical testing. Allele origin: germline. Affected: yes.
Comment: Not observed in large population cohorts (Lek et al., 2016); In silico analysis supports that this missense variant does not alter protein structure/function; Has not been previously published as pathogenic or benign to our knowledge

NM_000138.5(FBN1):c.3297A>T (p.Glu1099Asp)

Gene: FBN1 (fibrillin 1; minus strand). Cytogenetic location: 15q21.1.
Variant type: single nucleotide variant.
Coding change: c.3297A>T on transcript NM_000138.5 (MANE Select); coding-DNA position 3297, A replaced by T.
Protein change: p.Glu1099Asp; replaces glutamic acid 1099 with aspartic acid.
Molecular consequence: missense variant.
Genome position (GRCh38, 1-based): chr15:48,488,153, T>A on the plus strand (A>T on the coding strand, the complement: FBN1 is on the minus strand). VCF-style: chr15-48488153-T-A. GRCh37 (hg19) VCF-style: chr15-48780350-T-A.
Other names: short protein forms E1099D.
Identifiers: ClinVar variation 546316 (VCV000546316.6), dbSNP rs1555398626, ClinGen allele CA392327180.